The following is an entry in ClinVar:

NM_005169.4(PHOX2A):c.202G>A (p.Ala68Thr)

Gene: PHOX2A (paired like homeobox 2A; minus strand). Cytogenetic location: 11q13.4.
Variant type: single nucleotide variant.
Coding change: c.202G>A on transcript NM_005169.4 (MANE Select); coding-DNA position 202, G replaced by A.
Protein change: p.Ala68Thr; replaces alanine 68 with threonine.
Molecular consequence: missense variant.
Genome position (GRCh38, 1-based): chr11:72,243,803, C>T on the plus strand (G>A on the coding strand, the complement: PHOX2A is on the minus strand). VCF-style: chr11-72243803-C-T. GRCh37 (hg19) VCF-style: chr11-71954847-C-T.
Other names: c.202G>A, p.Ala68Thr (NM_001425096.1, NM_001425097.1, NM_001425098.1); short protein forms A68T.
Identifiers: ClinVar variation 3349196 (VCV003349196.1).

ClinVar aggregate classification (germline): Uncertain significance (0 of 4 stars; one submission).

Conditions:
PHOX2A-related disorder. Also called: PHOX2A-related condition.

Submission:

PreventionGenetics, part of Exact Sciences
Classification: Uncertain significance for PHOX2A-related condition. Last evaluated: 2024-03-23. Review status: no assertion criteria provided. Collection method: clinical testing. Allele origin: germline.
Comment: The PHOX2A c.202G>A variant is predicted to result in the amino acid substitution p.Ala68Thr. To our knowledge, this variant has not been reported in the literature or in a large population database, indicating this variant is rare. At this time, the clinical significance of this variant is uncertain due to the absence of conclusive functional and genetic evidence.